The following is an entry in ClinVar:

ClinVar aggregate classification (germline): Likely benign (1 of 4 stars; one submission).

Allele frequency attached by ClinVar (database versions not stated): gnomAD exomes below 0.00001; TOPMed 0.00002; gnomAD 0.00001 and 0.00003.
gnomAD v4.1: 7 of 1,614,060 alleles (0.00043%); highest among the groups gnomAD compares: African/African-American, 0.0013%; no homozygotes.

Submission:

GeneDx
Classification: Likely benign. Last evaluated: 2016-04-21. Review status: criteria provided, single submitter. Criteria: GeneDx Variant Classification (06012015). Collection method: clinical testing. Allele origin: germline. Affected: yes.
Comment: This variant is considered likely benign or benign based on one or more of the following criteria: it is a conservative change, it occurs at a poorly conserved position in the protein, it is predicted to be benign by multiple in silico algorithms, and/or has population frequency not consistent with disease.

NM_152268.4(PARS2):c.1254C>T (p.Ile418=)

Gene: PARS2 (prolyl-tRNA synthetase 2, mitochondrial; minus strand). Cytogenetic location: 1p32.3.
Variant type: single nucleotide variant.
Coding change: c.1254C>T on transcript NM_152268.4 (MANE Select); coding-DNA position 1254, C replaced by T.
Protein change: p.Ile418=; no amino-acid change (isoleucine 418 retained).
Molecular consequence: synonymous variant.
Genome position (GRCh38, 1-based): chr1:54,757,908, G>A on the plus strand (C>T on the coding strand, the complement: PARS2 is on the minus strand). VCF-style: chr1-54757908-G-A. GRCh37 (hg19) VCF-style: chr1-55223581-G-A.
Identifiers: ClinVar variation 384978 (VCV000384978.1), dbSNP rs1057522093, ClinGen allele CA16603665.